The following is an entry in ClinVar:

NM_000152.5(GAA):c.2151C>T (p.His717=)

Gene: GAA (alpha glucosidase; plus strand). Cytogenetic location: 17q25.3.
Variant type: single nucleotide variant.
Coding change: c.2151C>T on transcript NM_000152.5 (MANE Select); coding-DNA position 2151, C replaced by T.
Protein change: p.His717=; no amino-acid change (histidine 717 retained).
Molecular consequence: synonymous variant.
Genome position (GRCh38, 1-based): chr17:80,113,328, C>T. VCF-style: chr17-80113328-C-T. GRCh37 (hg19) VCF-style: chr17-78087127-C-T.
Other names: c.2151C>T, p.His717= (NM_001079803.3, NM_001079804.3); c.2151C>T (LRG_673t1, NM_000152.4).
Identifiers: ClinVar variation 325790 (VCV000325790.21), dbSNP rs758725073, ClinGen allele CA8815625.

ClinVar aggregate classification (germline): Conflicting classifications of pathogenicity. Review status: criteria provided, conflicting classifications (1 of 4 stars). 6 submissions from 6 submitters: Uncertain significance (2); Likely benign (3). 1 of the submissions does not count toward it. Last evaluated 2025-12-01.

Conditions:
GAA-related disorder. Also called: GAA-related condition.
Glycogen storage disease, type II (IOPD). Also called: CARDIOMEGALIA GLYCOGENICA DIFFUSA; GLYCOGENOSIS, GENERALIZED, CARDIAC FORM; GSD II; Glycogen storage disease type 2; Acid maltase deficiency disease; Aglucosidase alfa. Identifiers: Orphanet 365, MedGen C0017921, MONDO:0009290, OMIM 232300.
Cardiovascular phenotype. Identifiers: MedGen CN230736.

Allele frequency attached by ClinVar (database versions not stated): gnomAD 0.00003 and 0.00004; gnomAD exomes 0.00003; TOPMed 0.00003; ExAC 0.00004.
gnomAD v4.1: 50 of 1,597,358 alleles (0.0031%); highest among the groups gnomAD compares: Middle Eastern, 0.033%; no homozygotes.

Submissions (6):

Labcorp Genetics (formerly Invitae), Labcorp
Classification: Likely benign for Glycogen storage disease, type II. Last evaluated: 2025-12-01. Review status: criteria provided, single submitter. Criteria: Invitae Variant Classification Sherloc (09022015). Collection method: clinical testing. Allele origin: germline.

Ambry Genetics
Classification: Likely benign for Cardiovascular phenotype. Last evaluated: 2024-12-14. Review status: criteria provided, single submitter. Criteria: Ambry Variant Classification Scheme 2023. Collection method: clinical testing. Allele origin: germline.

Genome-Nilou Lab
Classification: Uncertain significance for Glycogen storage disease, type II. Last evaluated: 2021-07-22. Review status: criteria provided, single submitter. Criteria: ACMG Guidelines, 2015. Collection method: clinical testing. Allele origin: germline. Affected: no.

Broad Center for Mendelian Genomics, Broad Institute of MIT and Harvard
Classification: Likely benign for Glycogen storage disease, type II. Last evaluated: 2020-01-22. Review status: criteria provided, single submitter. Criteria: ACMG Guidelines, 2015. Collection method: curation. Allele origin: germline. Inheritance: Autosomal recessive inheritance.
Comment: The c.2151C>T (p.His717=) variant in GAA has not been previously reported in individuals with Glycogen Storage Disease II but has been reported as a VUS by Illumina and a likely benign variant by Invitae in ClinVar (Variation ID: 325790). This variant was absent from genomes and no high quality genotypes at this site were noted to include this variant in exomes from the Genome Aggregation Database (gnomAD; dbSNP rs758725073). Computational prediction tools and conservation analyses suggest that this variant may not impact the protein, though this information is not predictive enough to rule out pathogenicity. However, novel synonymous variants supported by computational evidence without raised suspicion for an impact are likely benign (Richards 2015). In summary, although additional studies are required to fully establish its clinical significance, this variant is likely benign. ACMG/AMP Criteria applied: BP4, BP7, PM2_Supporting (Richards 2015).

Illumina Laboratory Services, Illumina
Classification: Uncertain significance for Glycogen storage disease, type II. Last evaluated: 2018-01-13. Review status: criteria provided, single submitter. Criteria: ICSL Variant Classification Criteria 13 December 2019. Collection method: clinical testing. Allele origin: germline.

PreventionGenetics, part of Exact Sciences
Classification: Likely benign for GAA-related condition. Last evaluated: 2023-07-12. Review status: no assertion criteria provided. Collection method: clinical testing. Allele origin: germline. Not counted in ClinVar's aggregate classification.
Comment: This variant is classified as likely benign based on ACMG/AMP sequence variant interpretation guidelines (Richards et al. 2015 PMID: 25741868, with internal and published modifications).